The following is an entry in ClinVar:

NM_030773.4(TUBB1):c.1008G>T (p.Arg336Ser)

Gene: TUBB1 (tubulin beta 1 class VI; plus strand). Cytogenetic location: 20q13.32.
Variant type: single nucleotide variant.
Coding change: c.1008G>T on transcript NM_030773.4 (MANE Select); coding-DNA position 1008, G replaced by T.
Protein change: p.Arg336Ser; replaces arginine 336 with serine.
Molecular consequence: missense variant.
Genome position (GRCh38, 1-based): chr20:59,024,435, G>T. VCF-style: chr20-59024435-G-T. GRCh37 (hg19) VCF-style: chr20-57599490-G-T.
Other names: short protein forms R336S.
Identifiers: ClinVar variation 2779115 (VCV002779115.3), dbSNP rs1601239520, ClinGen allele CA409468119.

ClinVar aggregate classification (germline): Uncertain significance (1 of 4 stars; one submission).

gnomAD v4.1: 4 of 1,614,234 alleles (0.00025%); highest among the groups gnomAD compares: Non-Finnish European, 0.00034%; no homozygotes.

Submission:

Labcorp Genetics (formerly Invitae), Labcorp
Classification: Uncertain significance. Last evaluated: 2023-08-02. Review status: criteria provided, single submitter. Criteria: Invitae Variant Classification Sherloc (09022015). Collection method: clinical testing. Allele origin: germline.
Comment: This variant has not been reported in the literature in individuals affected with TUBB1-related conditions. This sequence change replaces arginine, which is basic and polar, with serine, which is neutral and polar, at codon 336 of the TUBB1 protein (p.Arg336Ser). This variant is not present in population databases (gnomAD no frequency). Advanced modeling of protein sequence and biophysical properties (such as structural, functional, and spatial information, amino acid conservation, physicochemical variation, residue mobility, and thermodynamic stability) performed at Invitae indicates that this missense variant is expected to disrupt TUBB1 protein function. In summary, the available evidence is currently insufficient to determine the role of this variant in disease. Therefore, it has been classified as a Variant of Uncertain Significance.